The following is an entry in ClinVar:

ClinVar aggregate classification (germline): Uncertain significance (1 of 4 stars; one submission).

Conditions:
Leber congenital amaurosis 1 (LCA1). Also called: AMAUROSIS CONGENITA OF LEBER I; RETINAL BLINDNESS, CONGENITAL; Congenital absence of the rods and cones; Leber's congenital tapetoretinal degeneration; Leber's congenital tapetoretinal dysplasia. Identifiers: Orphanet 65, MedGen C2931258, MONDO:0008764, OMIM 204000.
Cone-rod dystrophy 6 (CORD6). Also called: RETINAL CONE DYSTROPHY 2; Cone dystrophy progressive. Identifiers: Orphanet 1872, MedGen C1866293, MONDO:0011143, OMIM 601777.

Submission:

Labcorp Genetics (formerly Invitae), Labcorp
Classification: Uncertain significance for Leber congenital amaurosis 1; Cone-rod dystrophy 6. Last evaluated: 2025-03-26. Review status: criteria provided, single submitter. Criteria: Invitae Variant Classification Sherloc (09022015). Collection method: clinical testing. Allele origin: germline.
Comment: This sequence change falls in intron 15 of the GUCY2D gene. It does not directly change the encoded amino acid sequence of the GUCY2D protein. It affects a nucleotide within the consensus splice site. This variant is not present in population databases (gnomAD no frequency). This variant has not been reported in the literature in individuals affected with GUCY2D-related conditions. Variants that disrupt the consensus splice site are a relatively common cause of aberrant splicing (PMID: 17576681, 9536098). Algorithms developed to predict the effect of sequence changes on RNA splicing suggest that this variant is not likely to affect RNA splicing. In summary, the available evidence is currently insufficient to determine the role of this variant in disease. Therefore, it has been classified as a Variant of Uncertain Significance.

Literature cited by the submitters: PubMed 17576681; PubMed 9536098.

NM_000180.4(GUCY2D):c.2944+6T>C

Gene: GUCY2D (guanylate cyclase 2D, retinal; plus strand). Cytogenetic location: 17p13.1.
Variant type: single nucleotide variant.
Coding change: c.2944+6T>C on transcript NM_000180.4 (MANE Select); 6 bases into the intron after coding-DNA position 2944, T replaced by C.
Molecular consequence: intron variant.
Genome position (GRCh38, 1-based): chr17:8,015,508, T>C. VCF-style: chr17-8015508-T-C. GRCh37 (hg19) VCF-style: chr17-7918826-T-C.
Identifiers: ClinVar variation 4784550 (VCV004784550.1).